The following is an entry in ClinVar:

NM_004655.4(AXIN2):c.1251G>T (p.Ala417=)

Gene: AXIN2 (axin 2; minus strand). Cytogenetic location: 17q24.1.
Variant type: single nucleotide variant.
Coding change: c.1251G>T on transcript NM_004655.4 (MANE Select); coding-DNA position 1251, G replaced by T.
Protein change: p.Ala417=; no amino-acid change (alanine 417 retained).
Molecular consequence: synonymous variant.
Genome position (GRCh38, 1-based): chr17:65,537,785, C>A on the plus strand (G>T on the coding strand, the complement: AXIN2 is on the minus strand). VCF-style: chr17-65537785-C-A. GRCh37 (hg19) VCF-style: chr17-63533903-C-A.
Other names: c.1251G>T, p.Ala417= (NM_001363813.1); c.1251G>T (LRG_296t1).
Identifiers: ClinVar variation 508215 (VCV000508215.20), dbSNP rs557397475, ClinGen allele CA8718701.

ClinVar aggregate classification (germline): Benign/Likely benign. Review status: criteria provided, multiple submitters, no conflicts (2 of 4 stars). 6 submissions from 6 submitters: Benign (2); Likely benign (3). 1 of the submissions does not count toward it. Last evaluated 2025-07-31.

Conditions:
AXIN2-related disorder.
Hereditary cancer-predisposing syndrome. Also called: Hereditary neoplastic syndrome; Hereditary Cancer Syndrome; Neoplastic Syndromes, Hereditary; Tumor predisposition. Identifiers: Orphanet 140162, MedGen C0027672, MeSH D009386, MONDO:0015356.
Oligodontia-cancer predisposition syndrome. Also called: TOOTH AGENESIS-COLORECTAL CANCER SYNDROME. Identifiers: Orphanet 300576, MedGen C1837750, MONDO:0012075, OMIM 608615. Disease mechanism: loss of function.

Allele frequency attached by ClinVar (database versions not stated): gnomAD 0.00001; TOPMed 0.00002.
gnomAD v4.1: 18 of 1,586,340 alleles (0.0011%); highest among the groups gnomAD compares: Admixed American, 0.016%; no homozygotes.

Submissions (6):

Labcorp Genetics (formerly Invitae), Labcorp
Classification: Likely benign for Oligodontia-cancer predisposition syndrome. Last evaluated: 2025-07-31. Review status: criteria provided, single submitter. Criteria: Invitae Variant Classification Sherloc (09022015). Collection method: clinical testing. Allele origin: germline.

Myriad Genetics, Inc.
Classification: Benign for Oligodontia-cancer predisposition syndrome. Last evaluated: 2024-07-02. Review status: criteria provided, single submitter. Criteria: Myriad Autosomal Dominant, Autosomal Recessive and X-Linked Classification Criteria (2023). Collection method: clinical testing. Allele origin: unknown.
Comment: This variant is considered benign. This variant is a silent/synonymous amino acid change and it is not expected to impact splicing.

Sema4
Classification: Benign for Hereditary cancer-predisposing syndrome. Last evaluated: 2021-09-10. Review status: criteria provided, single submitter. Criteria: Sema4 Curation Guidelines. Collection method: curation. Allele origin: germline.

Ambry Genetics
Classification: Likely benign for Hereditary cancer-predisposing syndrome. Last evaluated: 2020-10-14. Review status: criteria provided, single submitter. Criteria: Ambry Variant Classification Scheme 2023. Collection method: clinical testing. Allele origin: germline.

GeneDx
Classification: Likely benign. Last evaluated: 2019-03-12. Review status: criteria provided, single submitter. Criteria: GeneDx Variant Classification Process June 2021. Collection method: clinical testing. Allele origin: germline. Affected: yes.

PreventionGenetics, part of Exact Sciences
Classification: Likely benign for AXIN2-related condition. Last evaluated: 2023-05-01. Review status: no assertion criteria provided. Collection method: clinical testing. Allele origin: germline. Not counted in ClinVar's aggregate classification.
Comment: This variant is classified as likely benign based on ACMG/AMP sequence variant interpretation guidelines (Richards et al. 2015 PMID: 25741868, with internal and published modifications).